The following is an entry in ClinVar:

NM_000059.4(BRCA2):c.1018G>C (p.Glu340Gln)

Gene: BRCA2 (BRCA2 DNA repair associated; plus strand). Cytogenetic location: 13q13.1.
Variant type: single nucleotide variant.
Coding change: c.1018G>C on transcript NM_000059.4 (MANE Select); coding-DNA position 1018, G replaced by C.
Protein change: p.Glu340Gln; replaces glutamic acid 340 with glutamine.
Molecular consequence: missense variant. On other transcripts: non-coding transcript variant (1), intron variant (1).
Genome position (GRCh38, 1-based): chr13:32,332,496, G>C. VCF-style: chr13-32332496-G-C. GRCh37 (hg19) VCF-style: chr13-32906633-G-C.
Other names: c.1018G>C, p.Glu340Gln (NM_001406719.1, NM_001406720.1, NM_001406721.1 and 1 more transcripts); c.424+1466G>C (NM_001406722.1); short protein forms E340Q.
Identifiers: ClinVar variation 4629387 (VCV004629387.1).

ClinVar aggregate classification (germline): Uncertain significance (1 of 4 stars; one submission).

Conditions:
Hereditary cancer-predisposing syndrome. Also called: Neoplastic Syndromes, Hereditary; Tumor predisposition; Hereditary Cancer Syndrome; Hereditary neoplastic syndrome. Identifiers: Orphanet 140162, MedGen C0027672, MeSH D009386, MONDO:0015356.

Submission:

Ambry Genetics
Classification: Uncertain significance for Hereditary cancer-predisposing syndrome. Last evaluated: 2025-11-25. Review status: criteria provided, single submitter. Criteria: Ambry Variant Classification Scheme 2023. Collection method: clinical testing. Allele origin: germline.
Comment: The p.E340Q variant (also known as c.1018G>C), located in coding exon 9 of the BRCA2 gene, results from a G to C substitution at nucleotide position 1018. The glutamic acid at codon 340 is replaced by glutamine, an amino acid with highly similar properties. This amino acid position is conserved. In addition, this alteration is predicted to be tolerated by in silico analysis. Based on the available evidence, the clinical significance of this variant remains unclear.